The following is an entry in ClinVar:

NM_001365951.3(KIF1B):c.3860A>G (p.His1287Arg)

Gene: KIF1B (kinesin family member 1B; plus strand). Cytogenetic location: 1p36.22.
Variant type: single nucleotide variant.
Coding change: c.3860A>G on transcript NM_001365951.3 (MANE Select); coding-DNA position 3860, A replaced by G.
Protein change: p.His1287Arg; replaces histidine 1287 with arginine.
Molecular consequence: missense variant.
Genome position (GRCh38, 1-based): chr1:10,347,823, A>G. VCF-style: chr1-10347823-A-G. GRCh37 (hg19) VCF-style: chr1-10407881-A-G.
Other names: c.3860A>G, p.His1287Arg (NM_001365952.1); c.3722A>G, p.His1241Arg (NM_015074.3); short protein forms H1241R, H1287R.
Identifiers: ClinVar variation 3226474 (VCV003226474.1), dbSNP rs770760933, ClinGen allele CA581897.

ClinVar aggregate classification (germline): Uncertain significance (1 of 4 stars; one submission).

Allele frequency attached by ClinVar (database versions not stated): ExAC 0.00001; gnomAD exomes 0.00001; TOPMed 0.00001.
gnomAD v4.1: 7 of 1,612,636 alleles (0.00043%); highest among the groups gnomAD compares: South Asian, 0.0044%; no homozygotes.

Submission:

Ambry Genetics
Classification: Uncertain significance. Last evaluated: 2023-12-23. Review status: criteria provided, single submitter. Criteria: Ambry Variant Classification Scheme 2023. Collection method: clinical testing. Allele origin: germline.
Comment: The p.H1241R variant (also known as c.3722A>G), located in coding exon 33 of the KIF1B gene, results from an A to G substitution at nucleotide position 3722. The histidine at codon 1241 is replaced by arginine, an amino acid with highly similar properties. This amino acid position is conserved. In addition, this alteration is predicted to be deleterious by in silico analysis. Since supporting evidence is limited at this time, the clinical significance of this alteration remains unclear.